The following is an entry in ClinVar:

ClinVar aggregate classification (germline): Uncertain significance. Review status: criteria provided, multiple submitters, no conflicts (2 of 4 stars). 2 submissions from 2 submitters: Uncertain significance (2). Last evaluated 2024-12-05.

Conditions:
Blau syndrome (BLAUS). Also called: GRANULOMATOSIS, FAMILIAL JUVENILE SYSTEMIC; GRANULOMATOSIS, FAMILIAL, BLAU TYPE; GRANULOMATOUS INFLAMMATORY ARTHRITIS, DERMATITIS, AND UVEITIS, FAMILIAL; JABS SYNDROME; ARTHROCUTANEOUVEAL GRANULOMATOSIS. Identifiers: Orphanet 90340, MedGen C5201146, MONDO:0008523, OMIM 186580.
Regional enteritis. Also called: Enteritis, Granulomatous. Identifiers: MedGen C0678202, MeSH D003424.
Autoinflammatory syndrome. Identifiers: Orphanet 93665, MedGen C3890737, MONDO:0019751.

Allele frequency attached by ClinVar (database versions not stated): gnomAD exomes 0.00002 and 0.00004; ExAC 0.00003.
gnomAD v4.1: 24 of 1,611,242 alleles (0.0015%); highest among the groups gnomAD compares: South Asian, 0.026%; no homozygotes.

Submissions (2):

Labcorp Genetics (formerly Invitae), Labcorp
Classification: Uncertain significance for Regional enteritis; Blau syndrome. Last evaluated: 2024-12-05. Review status: criteria provided, single submitter. Criteria: Invitae Variant Classification Sherloc (09022015). Collection method: clinical testing. Allele origin: germline.
Comment: This sequence change replaces leucine, which is neutral and non-polar, with arginine, which is basic and polar, at codon 671 of the NOD2 protein (p.Leu671Arg). This variant is present in population databases (rs754325924, gnomAD 0.03%). This variant has not been reported in the literature in individuals affected with NOD2-related conditions. ClinVar contains an entry for this variant (Variation ID: 1694107). Invitae Evidence Modeling of protein sequence and biophysical properties (such as structural, functional, and spatial information, amino acid conservation, physicochemical variation, residue mobility, and thermodynamic stability) has been performed for this missense variant. However, the output from this modeling did not meet the statistical confidence thresholds required to predict the impact of this variant on NOD2 protein function. In summary, the available evidence is currently insufficient to determine the role of this variant in disease. Therefore, it has been classified as a Variant of Uncertain Significance.

Genome Diagnostics Laboratory, The Hospital for Sick Children
Classification: Uncertain significance for Autoinflammatory syndrome. Last evaluated: 2017-11-01. Review status: criteria provided, single submitter. Criteria: ACMG Guidelines, 2015. Collection method: clinical testing. Allele origin: germline. Affected: yes.

NM_001370466.1(NOD2):c.1931T>G (p.Leu644Arg)

Gene: NOD2 (nucleotide binding oligomerization domain containing 2; plus strand). Cytogenetic location: 16q12.1.
Variant type: single nucleotide variant.
Coding change: c.1931T>G on transcript NM_001370466.1 (MANE Select); coding-DNA position 1931, T replaced by G.
Protein change: p.Leu644Arg; replaces leucine 644 with arginine.
Molecular consequence: missense variant. On other transcripts: non-coding transcript variant (1).
Genome position (GRCh38, 1-based): chr16:50,711,923, T>G. VCF-style: chr16-50711923-T-G. GRCh37 (hg19) VCF-style: chr16-50745834-T-G.
Other names: c.1931T>G, p.Leu644Arg (NM_001293557.2); c.2012T>G, p.Leu671Arg (NM_022162.3); short protein forms L644R, L671R.
Identifiers: ClinVar variation 1694107 (VCV001694107.5), dbSNP rs754325924, ClinGen allele CA8051673.